The following is an entry in ClinVar:

NM_012210.4(TRIM32):c.257T>C (p.Ile86Thr)

Genes: ASTN2 (astrotactin 2; minus strand), TRIM32 (tripartite motif containing 32; plus strand). Cytogenetic location: 9q33.1.
Variant type: single nucleotide variant.
Coding change: c.257T>C on transcript NM_012210.4 (MANE Select); coding-DNA position 257, T replaced by C.
Protein change: p.Ile86Thr; replaces isoleucine 86 with threonine.
Molecular consequence: missense variant. On other transcripts: intron variant (3).
Genome position (GRCh38, 1-based): chr9:116,697,999, T>C. VCF-style: chr9-116697999-T-C. GRCh37 (hg19) VCF-style: chr9-119460278-T-C.
Other names: c.257T>C, p.Ile86Thr (NM_001379049.1, NM_001379050.1, NM_001099679.2 and 1 more transcripts); c.2653+27772A>G (NM_014010.5); c.2794+27772A>G (NM_001365069.1); c.2806+27772A>G (NM_001365068.1); short protein forms I86T.
Identifiers: ClinVar variation 167745 (VCV000167745.24), dbSNP rs200326473, ClinGen allele CA235012.

ClinVar aggregate classification (germline): Uncertain significance. Review status: criteria provided, multiple submitters, no conflicts (2 of 4 stars). 9 submissions from 9 submitters: Uncertain significance (8). 1 of the submissions does not count toward it. Last evaluated 2025-10-27.

Conditions:
Bardet-Biedl syndrome 11 (BBS11). Identifiers: Orphanet 110, MedGen C1859569, MONDO:0014439, OMIM 615988.
Sarcotubular myopathy (LGMDR8). Also called: MUSCULAR DYSTROPHY, LIMB-GIRDLE, AUTOSOMAL RECESSIVE 8; Hutterite type of muscular dystrophy; Autosomal recessive limb-girdle muscular dystrophy type 2H; Limb-girdle muscular dystrophy, type 2H. Identifiers: Orphanet 1878, MedGen C0270968, MONDO:0009683, OMIM 254110.
TRIM32-related disorder. Also called: TRIM32-related condition.
Inborn genetic diseases. Identifiers: MedGen C0950123, MeSH D030342.
Bardet-Biedl syndrome (BBS). Identifiers: Orphanet 110, MedGen C0752166, MONDO:0015229.

Allele frequency attached by ClinVar (database versions not stated): gnomAD exomes 0.00004 and 0.00016; 1000 Genomes Project 0.00020; 1000 Genomes Project 30x 0.00031; gnomAD 0.00005; TOPMed 0.00010; ExAC 0.00012.
gnomAD v4.1: 68 of 1,614,162 alleles (0.0042%); highest among the groups gnomAD compares: Admixed American, 0.055%; no homozygotes.

Submissions (9):

Athena Diagnostics
Classification: Uncertain significance. Last evaluated: 2025-10-27. Review status: criteria provided, single submitter. Criteria: Athena Diagnostics Criteria. Collection method: clinical testing. Allele origin: unknown.
Comment: Available data are insufficient to determine the clinical significance of the variant at this time. The frequency of this variant in the general population is higher than would generally be expected for pathogenic variants in this gene. Polyphen and MutationTaster predict this amino acid change may be benign.

Ambry Genetics
Classification: Uncertain significance for Inborn genetic diseases. Last evaluated: 2025-06-22. Review status: criteria provided, single submitter. Criteria: Ambry Variant Classification Scheme 2023. Collection method: clinical testing. Allele origin: germline.

Revvity Omics, Revvity
Classification: Uncertain significance. Last evaluated: 2025-01-28. Review status: criteria provided, single submitter. Criteria: ACMG Guidelines, 2015. Collection method: clinical testing. Allele origin: germline.

Blueprint Genetics
Classification: Uncertain significance. Last evaluated: 2024-10-23. Review status: criteria provided, single submitter. Criteria: ACMG Guidelines, 2015. Collection method: clinical testing. Allele origin: germline.

Fulgent Genetics
Classification: Uncertain significance for Sarcotubular myopathy; Bardet-Biedl syndrome 11. Last evaluated: 2024-03-07. Review status: criteria provided, single submitter. Criteria: ACMG Guidelines, 2015. Collection method: clinical testing. Allele origin: germline.

Labcorp Genetics (formerly Invitae), Labcorp
Classification: Uncertain significance for Bardet-Biedl syndrome. Last evaluated: 2022-10-25. Review status: criteria provided, single submitter. Criteria: Invitae Variant Classification Sherloc (09022015). Collection method: clinical testing. Allele origin: germline.
Comment: This sequence change replaces isoleucine, which is neutral and non-polar, with threonine, which is neutral and polar, at codon 86 of the TRIM32 protein (p.Ile86Thr). This variant is present in population databases (rs200326473, gnomAD 0.07%). This variant has not been reported in the literature in individuals affected with TRIM32-related conditions. ClinVar contains an entry for this variant (Variation ID: 167745). Algorithms developed to predict the effect of missense changes on protein structure and function are either unavailable or do not agree on the potential impact of this missense change (SIFT: "Deleterious"; PolyPhen-2: "Benign"; Align-GVGD: "Class C65"). In summary, the available evidence is currently insufficient to determine the role of this variant in disease. Therefore, it has been classified as a Variant of Uncertain Significance.

Mayo Clinic Laboratories, Mayo Clinic
Classification: Uncertain significance. Last evaluated: 2022-10-19. Review status: criteria provided, single submitter. Criteria: ACMG Guidelines, 2015. Collection method: clinical testing. Allele origin: germline. Observed: 1 variant allele.
Comment: PM2

Eurofins Ntd Llc (ga)
Classification: Uncertain significance. Last evaluated: 2017-07-03. Review status: criteria provided, single submitter. Criteria: EGL Classification Definitions 2015. Collection method: clinical testing. Allele origin: germline. Observed: 2 variant alleles, 2 heterozygotes.

PreventionGenetics, part of Exact Sciences
Classification: Uncertain significance for TRIM32-related condition. Last evaluated: 2024-03-13. Review status: no assertion criteria provided. Collection method: clinical testing. Allele origin: germline. Not counted in ClinVar's aggregate classification.
Comment: The TRIM32 c.257T>C variant is predicted to result in the amino acid substitution p.Ile86Thr. To our knowledge, this variant has not been reported in the literature. This variant is reported in 0.067% of alleles in individuals of Latino descent in gnomAD, which is likely too common to be a primary cause of disease. Although we suspect that this variant may be benign, at this time, the clinical significance is uncertain due to the absence of conclusive functional and genetic evidence.